The following is an entry in ClinVar:

NM_001267550.2(TTN):c.79601G>A (p.Trp26534Ter)

Genes: TTN (titin; minus strand), TTN-AS1 (TTN antisense RNA 1; plus strand). Cytogenetic location: 2q31.2.
Variant type: single nucleotide variant.
Coding change: c.79601G>A on transcript NM_001267550.2 (MANE Select); coding-DNA position 79601, G replaced by A.
Protein change: p.Trp26534Ter; replaces tryptophan 26534 with a stop codon.
Molecular consequence: nonsense.
Genome position (GRCh38, 1-based): chr2:178,566,531, C>T on the plus strand (G>A on the coding strand, the complement: TTN is on the minus strand). VCF-style: chr2-178566531-C-T. GRCh37 (hg19) VCF-style: chr2-179431258-C-T.
Other names: c.74678G>A, p.Trp24893Ter (NM_001256850.1); c.52406G>A, p.Trp17469Ter (NM_003319.4); c.71897G>A, p.Trp23966Ter (NM_133378.4); c.52781G>A, p.Trp17594Ter (NM_133432.3); c.52982G>A, p.Trp17661Ter (NM_133437.4); short protein forms W17469*, W17594*, W17661*, W23966*, W24893*, W26534*.
Identifiers: ClinVar variation 3758049 (VCV003758049.2).
Genomic context (GRCh38, chr2:178,566,531, plus strand): 5'-GTGAGTTTTGAAATTTCAAATCGAGTGACTCTCAGGCCAGTCTGTGGAGTAACTATTTGC[C>T]ATTCTTCTTCATCTGCTTTACAGATTTCTACTACATATCCCAAGATCTCACTGCCGCCAT-3'

ClinVar aggregate classification (germline): Likely pathogenic (1 of 4 stars; one submission).

Conditions:
Dilated cardiomyopathy 1G (CMD1G). Identifiers: Orphanet 154, MedGen C1858763, MONDO:0011400, OMIM 604145.
Autosomal recessive limb-girdle muscular dystrophy type 2J (LGMDR10). Also called: Limb-girdle muscular dystrophy, type 2J; MUSCULAR DYSTROPHY, LIMB-GIRDLE, AUTOSOMAL RECESSIVE 10. Identifiers: Orphanet 140922, MedGen C1837342, MONDO:0012127, OMIM 608807.

gnomAD v4.1: 1 of 1,613,360 alleles (0.000062%); highest among the groups gnomAD compares: South Asian, 0.0011%; no homozygotes.

Submission:

Labcorp Genetics (formerly Invitae), Labcorp
Classification: Likely pathogenic for Dilated cardiomyopathy 1G; Autosomal recessive limb-girdle muscular dystrophy type 2J. Last evaluated: 2024-09-06. Review status: criteria provided, single submitter. Criteria: Invitae Variant Classification Sherloc (09022015). Collection method: clinical testing. Allele origin: germline.
Comment: This sequence change creates a premature translational stop signal (p.Trp26534*) in the TTN gene. While this is not anticipated to result in nonsense mediated decay, it is expected to create a truncated TTN protein. This variant is not present in population databases (gnomAD no frequency). This variant has not been reported in the literature in individuals affected with TTN-related conditions. This variant is located in the A band of TTN (PMID: 25589632). Truncating variants in this region are significantly overrepresented in patients affected with dilated cardiomyopathy (PMID: 25589632). Truncating variants in this region have also been reported in individuals affected with autosomal recessive centronuclear myopathy (PMID: 23975875). In summary, the currently available evidence indicates that the variant is pathogenic, but additional data are needed to prove that conclusively. Therefore, this variant has been classified as Likely Pathogenic.

Literature cited by the submitters: PubMed 25589632; PubMed 23975875.